The following is an entry in ClinVar:

NM_182894.3(VSX2):c.163_164insATCACAGATGT (p.Gly55fs)

Gene: VSX2 (visual system homeobox 2; plus strand). Cytogenetic location: 14q24.3.
Variant type: Insertion.
Coding change: c.163_164insATCACAGATGT on transcript NM_182894.3 (MANE Select); coding-DNA positions 163 to 164, ATCACAGATGT inserted.
Protein change: p.Gly55fs; shifts the reading frame from glycine 55.
Molecular consequence: frameshift variant.
Genome position: GRCh38 VCF-style: chr14-74239724-G-GATCACAGATGT. GRCh37 (hg19) VCF-style: chr14-74706427-G-GATCACAGATGT.
Other names: short protein forms G55fs.
Identifiers: ClinVar variation 5010365 (VCV005010365.1).

ClinVar aggregate classification (germline): Pathogenic (1 of 4 stars; one submission).

Conditions:
Microphthalmia, isolated, with coloboma 3 (MCOPCB3). Also called: MICROPHTHALMIA/COLOBOMA 3; MICROPHTHALMIA, COLOBOMATOUS, 3. Identifiers: Orphanet 98938, MedGen C1864721, MONDO:0012408, OMIM 610092.

Submission:

Myriad Genetics, Inc.
Classification: Pathogenic for Microphthalmia, isolated, with coloboma 3. Last evaluated: 2024-05-14. Review status: criteria provided, single submitter. Criteria: Myriad Autosomal Dominant, Autosomal Recessive and X-Linked Classification Criteria (2023). Collection method: clinical testing. Allele origin: unknown.
Comment: NM_182894.2(VSX2):c.163_164ins11(G55Dfs*90) is expected to be pathogenic in the context of microphthalmia, anophthalmia, and coloboma, VSX2-related. This variant is predicted to lead to an abnormal or absent protein product due to the creation of a premature termination codon in VSX2, a gene where loss-of-function variants are known to be pathogenic. Please note: this variant was assessed in the context of healthy population screening.